The following is an entry in ClinVar:

ClinVar aggregate classification (germline): Uncertain significance (1 of 4 stars; one submission).

Conditions:
Joubert syndrome 21 (JBTS21). Identifiers: MedGen C3810212, MONDO:0014288, OMIM 615636.

Allele frequency attached by ClinVar (database versions not stated): TOPMed below 0.00001; gnomAD 0.00001.

Submission:

Labcorp Genetics (formerly Invitae), Labcorp
Classification: Uncertain significance for Joubert syndrome 21. Last evaluated: 2022-03-10. Review status: criteria provided, single submitter. Criteria: Invitae Variant Classification Sherloc (09022015). Collection method: clinical testing. Allele origin: germline.
Comment: In summary, the available evidence is currently insufficient to determine the role of this variant in disease. Therefore, it has been classified as a Variant of Uncertain Significance. Algorithms developed to predict the effect of sequence changes on RNA splicing suggest that this variant may create or strengthen a splice site. Algorithms developed to predict the effect of missense changes on protein structure and function output the following: SIFT: "Tolerated"; PolyPhen-2: "Benign"; Align-GVGD: "Class C0". The serine amino acid residue is found in multiple mammalian species, which suggests that this missense change does not adversely affect protein function. ClinVar contains an entry for this variant (Variation ID: 1006446). This variant has not been reported in the literature in individuals affected with CSPP1-related conditions. This variant is present in population databases (no rsID available, gnomAD 0.004%). This sequence change replaces asparagine, which is neutral and polar, with serine, which is neutral and polar, at codon 176 of the CSPP1 protein (p.Asn176Ser).

NM_001382391.1(CSPP1):c.500A>G (p.Asn167Ser)

Gene: CSPP1 (centrosome and spindle pole associated protein 1; plus strand). Cytogenetic location: 8q13.1.
Variant type: single nucleotide variant.
Coding change: c.500A>G on transcript NM_001382391.1 (MANE Select); coding-DNA position 500, A replaced by G.
Protein change: p.Asn167Ser; replaces asparagine 167 with serine.
Molecular consequence: missense variant. On other transcripts: 5 prime UTR variant (1).
Genome position (GRCh38, 1-based): chr8:67,095,309, A>G. VCF-style: chr8-67095309-A-G. GRCh37 (hg19) VCF-style: chr8-68007544-A-G.
Other names: c.-356A>G (NM_001291339.2); c.419A>G, p.Asn140Ser (NM_001363131.2, NM_001363133.2); c.500A>G, p.Asn167Ser (NM_001363132.2); c.608A>G, p.Asn203Ser (NM_001364869.1); c.527A>G, p.Asn176Ser (NM_001364870.1, NM_024790.7); short protein forms N140S, N167S, N176S, N203S.
Identifiers: ClinVar variation 1006446 (VCV001006446.8), dbSNP rs1395114211, ClinGen allele CA371189990.